The following is an entry in ClinVar:

NM_001369.3(DNAH5):c.12708_12709inv (p.Val4237Ile)

Gene: DNAH5 (dynein axonemal heavy chain 5; minus strand). Cytogenetic location: 5p15.2.
Variant type: Inversion.
Coding change: c.12708_12709inv on transcript NM_001369.3 (MANE Select).
Protein change: p.Val4237Ile; replaces valine 4237 with isoleucine.
Molecular consequence: missense variant.
Genome position: GRCh38 VCF-style: chr5-13716687-CA-TG. GRCh37 (hg19) VCF-style: chr5-13716796-CA-TG.
Other names: p.Val4237Ile; c.12708_12709delTGinsCA (NM_001369.2); c.12708_12709delinsCA (NM_001369.2); short protein forms V4237I.
Identifiers: ClinVar variation 1185037 (VCV001185037.5), ClinGen allele CA2499217600.

ClinVar aggregate classification (germline): Conflicting classifications of pathogenicity. Review status: criteria provided, conflicting classifications (1 of 4 stars). 4 submissions from 4 submitters: Uncertain significance (3); Likely benign (1). Last evaluated 2025-06-13.

Conditions:
Primary ciliary dyskinesia 3. Identifiers: Orphanet 244, MedGen C1837618, MONDO:0012085, OMIM 608644.
Primary ciliary dyskinesia. Also called: Ciliary dyskinesia. Identifiers: Orphanet 244, MedGen C0008780, MONDO:0016575, HP:0012265.

Submissions (4):

Ambry Genetics
Classification: Likely benign for Primary ciliary dyskinesia. Last evaluated: 2025-06-13. Review status: criteria provided, single submitter. Criteria: Ambry Variant Classification Scheme 2023. Collection method: clinical testing. Allele origin: germline.

Mayo Clinic Laboratories, Mayo Clinic
Classification: Uncertain significance. Last evaluated: 2024-08-08. Review status: criteria provided, single submitter. Criteria: ACMG Guidelines, 2015. Collection method: clinical testing. Allele origin: germline. Observed: 1 variant allele.
Comment: BP4

Labcorp Genetics (formerly Invitae), Labcorp
Classification: Uncertain significance for Primary ciliary dyskinesia. Last evaluated: 2022-10-24. Review status: criteria provided, single submitter. Criteria: Invitae Variant Classification Sherloc (09022015). Collection method: clinical testing. Allele origin: germline.
Comment: This sequence change replaces valine, which is neutral and non-polar, with isoleucine, which is neutral and non-polar, at codon 4237 of the DNAH5 protein (p.Val4237Ile). Information on the frequency of this variant in the gnomAD database is not available, as this variant may be reported differently in the database. This variant has not been reported in the literature in individuals affected with DNAH5-related conditions. ClinVar contains an entry for this variant (Variation ID: 1185037). Experimental studies and prediction algorithms are not available or were not evaluated, and the functional significance of this variant is currently unknown. In summary, the available evidence is currently insufficient to determine the role of this variant in disease. Therefore, it has been classified as a Variant of Uncertain Significance.

Johns Hopkins Genomics, Johns Hopkins University
Classification: Uncertain significance for Primary ciliary dyskinesia 3. Last evaluated: 2021-06-09. Review status: criteria provided, single submitter. Criteria: ACMG Guidelines, 2015. Collection method: clinical testing. Allele origin: germline.
Comment: DNAH5 p.Val4237Ile has been identified in a large population dataset and the minor allele frequency is neither low enough to consider the variant rare (<0.1%) nor high enough to consider it a population polymorphism (>1%) within the African/African-American subpopulation (gnomAD: 35/24952 alleles; 0.14%, no homozygotes). This variant has not been reported in ClinVar nor the literature to our knowledge. Three bioinformatic tools queried predict that this substitution would be tolerated and the valine residue at this position is evolutionarily conserved across most mammalian species assessed. We consider the clinical significance of c.12708_12709delTGinsCA to be uncertain at this time.